The following is an entry in ClinVar:

ClinVar aggregate classification (germline): Uncertain significance. Review status: criteria provided, multiple submitters, no conflicts (2 of 4 stars). 3 submissions from 3 submitters: Uncertain significance (3). Last evaluated 2025-05-14.

Conditions:
RAI1-related disorder. Also called: RAI1-related condition.

Allele frequency attached by ClinVar (database versions not stated): ExAC 0.00001; gnomAD exomes 0.00002 and 0.00003; TOPMed 0.00005; gnomAD 0.00011; 1000 Genomes Project 30x 0.00016; 1000 Genomes Project 0.00020.
gnomAD v4.1: 40 of 1,612,778 alleles (0.0025%); highest among the groups gnomAD compares: Admixed American, 0.033%; no homozygotes.

Submissions (3):

Mayo Clinic Laboratories, Mayo Clinic
Classification: Uncertain significance. Last evaluated: 2025-05-14. Review status: criteria provided, single submitter. Criteria: ACMG Guidelines, 2015. Collection method: clinical testing. Allele origin: germline. Observed: 1 variant allele.
Comment: BP4, PM2_supporting

PreventionGenetics, part of Exact Sciences
Classification: Uncertain significance for RAI1-related condition. Last evaluated: 2025-02-06. Review status: criteria provided, single submitter. Criteria: ACMG Guidelines, 2015. Collection method: clinical testing. Allele origin: germline.
Comment: The RAI1 c.4345C>T variant is predicted to result in the amino acid substitution p.Arg1449Trp. To our knowledge, this variant has not been reported in the literature. This variant is reported in 0.017% of alleles in individuals of Latino descent in gnomAD. Although we suspect that this variant may be benign, at this time, the clinical significance of this variant is uncertain due to the absence of conclusive functional and genetic evidence.

Labcorp Genetics (formerly Invitae), Labcorp
Classification: Uncertain significance. Last evaluated: 2024-08-19. Review status: criteria provided, single submitter. Criteria: Invitae Variant Classification Sherloc (09022015). Collection method: clinical testing. Allele origin: germline.
Comment: This sequence change replaces arginine, which is basic and polar, with tryptophan, which is neutral and slightly polar, at codon 1449 of the RAI1 protein (p.Arg1449Trp). This variant is present in population databases (rs541335959, gnomAD 0.02%). This variant has not been reported in the literature in individuals affected with RAI1-related conditions. ClinVar contains an entry for this variant (Variation ID: 1506569). Invitae Evidence Modeling of protein sequence and biophysical properties (such as structural, functional, and spatial information, amino acid conservation, physicochemical variation, residue mobility, and thermodynamic stability) indicates that this missense variant is expected to disrupt RAI1 protein function with a positive predictive value of 80%. In summary, the available evidence is currently insufficient to determine the role of this variant in disease. Therefore, it has been classified as a Variant of Uncertain Significance.

NM_030665.4(RAI1):c.4345C>T (p.Arg1449Trp)

Gene: RAI1 (retinoic acid induced 1; plus strand). Cytogenetic location: 17p11.2.
Variant type: single nucleotide variant.
Coding change: c.4345C>T on transcript NM_030665.4 (MANE Select); coding-DNA position 4345, C replaced by T.
Protein change: p.Arg1449Trp; replaces arginine 1449 with tryptophan.
Molecular consequence: missense variant.
Genome position (GRCh38, 1-based): chr17:17,797,293, C>T. VCF-style: chr17-17797293-C-T. GRCh37 (hg19) VCF-style: chr17-17700607-C-T.
Other names: p.Arg1449Trp; c.4345C>T (NM_030665.3); short protein forms R1449W.
Identifiers: ClinVar variation 1506569 (VCV001506569.10), dbSNP rs541335959, ClinGen allele CA8418943.
Genomic context (GRCh38, chr17:17,797,293, plus strand): 5'-TTCACATCCCCGGAGGCCCTGCAGCCTGGGGGGACTGCCCTGGCGCCTAAGAAGAGGAGC[C>T]GGAAAGGCCGGGCAGGGGCCCATGGACTCTCCAAAGGCCCGCTGGAGAAGCGGCCCTATC-3'
Protein context (NP_109590.3, residues 1439-1459): GTALAPKKRS[Arg1449Trp]KGRAGAHGLS